The following is an entry in ClinVar:

ClinVar aggregate classification (germline): Uncertain significance (1 of 4 stars; one submission).

Conditions:
Familial adenomatous polyposis 2. Also called: MYH-associated polyposis; Adenomas, multiple colorectal; COLORECTAL ADENOMATOUS POLYPOSIS, AUTOSOMAL RECESSIVE; ADENOMAS, MULTIPLE COLORECTAL, AUTOSOMAL RECESSIVE; FAP type 2; MUTYH Polyposis. Identifiers: Orphanet 220460, Orphanet 247798, MedGen C3272841, MONDO:0012041, OMIM 608456.

Submission:

Labcorp Genetics (formerly Invitae), Labcorp
Classification: Uncertain significance for Familial adenomatous polyposis 2. Last evaluated: 2022-03-26. Review status: criteria provided, single submitter. Criteria: Invitae Variant Classification Sherloc (09022015). Collection method: clinical testing. Allele origin: germline.
Comment: In summary, the available evidence is currently insufficient to determine the role of this variant in disease. Therefore, it has been classified as a Variant of Uncertain Significance. Experimental studies and prediction algorithms are not available or were not evaluated, and the functional significance of this variant is currently unknown. This variant has not been reported in the literature in individuals affected with MUTYH-related conditions. This variant results in a copy number gain of the genomic region encompassing exon(s) 6-7 of the MUTYH gene. While the exact position of this variant cannot be determined from the data, sub-genic copy number gains are generally in tandem (PMID: 25640679). This variant is predicted to be in-frame, and likely preserves the integrity of the reading frame.

Literature cited by the submitters: PubMed 25640679.

NC_000001.10:g.(?_45798425)_(45798641_?)dup

Gene: MUTYH (mutY DNA glycosylase; minus strand). Cytogenetic location: 1p34.1.
Variant type: Duplication.
Identifiers: ClinVar variation 1481780 (VCV001481780.5).